The following is an entry in ClinVar:

NM_018120.6(ARMC1):c.12C>T (p.Ser4=)

Gene: ARMC1 (armadillo repeat containing 1; minus strand). Cytogenetic location: 8q13.1.
Variant type: single nucleotide variant.
Coding change: c.12C>T on transcript NM_018120.6 (MANE Select); coding-DNA position 12, C replaced by T.
Protein change: p.Ser4=; no amino-acid change (serine 4 retained).
Molecular consequence: synonymous variant. On other transcripts: 5 prime UTR variant (1).
Genome position (GRCh38, 1-based): chr8:65,627,387, G>A on the plus strand (C>T on the coding strand, the complement: ARMC1 is on the minus strand). VCF-style: chr8-65627387-G-A. GRCh37 (hg19) VCF-style: chr8-66539622-G-A.
Other names: c.-105C>T (NM_001286702.2).
Identifiers: ClinVar variation 2658630 (VCV002658630.24), dbSNP rs146432746, ClinGen allele CA4764552.
Genomic context (GRCh38, chr8:65,627,387, plus strand): 5'-TAGATCCCGTAACTGGTTAACTACCGATAGAGCGTCAGGCTCTTCACTCATGGTGGAAGT[G>A]GAAGAATTCATCTTCTATGCCATGCACATGAATAAAATCTTAAATTCTGTAGAAAAGGTT-3'
Protein context (NP_060590.1, residues 1-14): MNS[Ser4=]TSTMSEEPDA

ClinVar aggregate classification (germline): Likely benign (1 of 4 stars; one submission).

Allele frequency attached by ClinVar (database versions not stated): gnomAD exomes 0.00014; ESP Exome Variant Server 0.00015; gnomAD 0.00016; TOPMed 0.00017; 1000 Genomes Project 0.00020; ExAC 0.00026; 1000 Genomes Project 30x 0.00031.

Submission:

CeGaT Center for Human Genetics Tuebingen
Classification: Likely benign. Last evaluated: 2022-03-01. Review status: criteria provided, single submitter. Criteria: CeGaT Center For Human Genetics Tuebingen Variant Classification Criteria Version 2. Collection method: clinical testing. Allele origin: germline. Affected: yes. Observed: 1 variant allele.
Comment: ARMC1: BP4, BP7